The following is an entry in ClinVar:

NM_004859.4(CLTC):c.338_341dup (p.Ile114fs)

Gene: CLTC (clathrin heavy chain; plus strand). Cytogenetic location: 17q23.1.
Variant type: Duplication.
Coding change: c.338_341dup on transcript NM_004859.4 (MANE Select); coding-DNA positions 338 to 341, 4 bases duplicated (GGAT; older notation c.338_341dupGGAT).
Protein change: p.Ile114fs; shifts the reading frame from isoleucine 114.
Molecular consequence: frameshift variant.
Genome position (GRCh38, 1-based): chr17:59,647,485-59,647,488, GGAT duplicated; duplicating any 4 consecutive bases within chr17:59,647,483-59,647,488 gives the same sequence; the c. name uses the placement nearest the transcript's 3' end. VCF-style (leftmost placement, unchanged base first): chr17-59647482-A-AATGG. GRCh37 (hg19) VCF-style: chr17-57724843-A-AATGG.
Other names: c.350_353dup, p.Ile118fs (NM_001288653.2); short protein forms I114fs, I118fs.
Identifiers: ClinVar variation 3769641 (VCV003769641.1).

ClinVar aggregate classification (germline): Likely pathogenic (1 of 4 stars; one submission).

Conditions:
Neurodevelopmental abnormality. Identifiers: MedGen C4022737, HP:0012759.

Submission:

Clinical Genetics Laboratory, Skane University Hospital Lund
Classification: Likely pathogenic for Neurodevelopmental abnormality. Last evaluated: 2024-11-04. Review status: criteria provided, single submitter. Criteria: ACMG Guidelines, 2015. Collection method: clinical testing. Allele origin: germline. Affected: yes.
Comment: ACMG criteria used: PVS1, PM2